The following is an entry in ClinVar:

NM_001004334.4(GPR179):c.5386T>G (p.Cys1796Gly)

Gene: GPR179 (G protein-coupled receptor 179; minus strand). Cytogenetic location: 17q12.
Variant type: single nucleotide variant.
Coding change: c.5386T>G on transcript NM_001004334.4 (MANE Select); coding-DNA position 5386, T replaced by G.
Protein change: p.Cys1796Gly; replaces cysteine 1796 with glycine.
Molecular consequence: missense variant.
Genome position (GRCh38, 1-based): chr17:38,328,183, A>C on the plus strand (T>G on the coding strand, the complement: GPR179 is on the minus strand). VCF-style: chr17-38328183-A-C. GRCh37 (hg19) VCF-style: chr17-36484066-A-C.
Other names: short protein forms C1796G.
Identifiers: ClinVar variation 890940 (VCV000890940.9), dbSNP rs369190209, ClinGen allele CA398872149.
Genomic context (GRCh38, chr17:38,328,183, plus strand): 5'-TGGCTTTTTCACTGGTAGCAGCTTCCTGTGCTTCCCAGGGACACACTTCACCTGGCCTGC[A>C]GCCCATATGATCCAGTTCCTGGAACCCAGCTTTTGGTCCATCAGCATCTAGAGTACCTGG-3'
Protein context (NP_001004334.3, residues 1786-1806): AGFQELDHMG[Cys1796Gly]RPGEVCPWEA

ClinVar aggregate classification (germline): Uncertain significance. Review status: criteria provided, multiple submitters, no conflicts (2 of 4 stars). 2 submissions from 2 submitters: Uncertain significance (2). Last evaluated 2022-03-10.

Conditions:
Congenital stationary night blindness 1E. Also called: Night blindness, congenital stationary (complete), 1E, autosomal recessive. Identifiers: Orphanet 215, MedGen C3281215, MONDO:0013807, OMIM 614565.

Allele frequency attached by ClinVar (database versions not stated): gnomAD exomes below 0.00001; TOPMed 0.00002.
gnomAD v4.1: 1 of 1,611,500 alleles (0.000062%); highest among the groups gnomAD compares: Non-Finnish European, 0.000085%; no homozygotes.

Submissions (2):

Labcorp Genetics (formerly Invitae), Labcorp
Classification: Uncertain significance. Last evaluated: 2022-03-10. Review status: criteria provided, single submitter. Criteria: Invitae Variant Classification Sherloc (09022015). Collection method: clinical testing. Allele origin: germline.
Comment: ClinVar contains an entry for this variant (Variation ID: 890940). In summary, the available evidence is currently insufficient to determine the role of this variant in disease. Therefore, it has been classified as a Variant of Uncertain Significance. Algorithms developed to predict the effect of missense changes on protein structure and function output the following: SIFT: "Tolerated"; PolyPhen-2: "Benign"; Align-GVGD: "Class C0". The glycine amino acid residue is found in multiple mammalian species, which suggests that this missense change does not adversely affect protein function. This variant has not been reported in the literature in individuals affected with GPR179-related conditions. This variant is present in population databases (no rsID available, gnomAD 0.0009%). This sequence change replaces cysteine, which is neutral and slightly polar, with glycine, which is neutral and non-polar, at codon 1796 of the GPR179 protein (p.Cys1796Gly).

Illumina Laboratory Services, Illumina
Classification: Uncertain significance for Congenital stationary night blindness 1E. Last evaluated: 2018-01-13. Review status: criteria provided, single submitter. Criteria: ICSL Variant Classification Criteria 13 December 2019. Collection method: clinical testing. Allele origin: germline.